The following is an entry in ClinVar:

ClinVar aggregate classification (germline): Likely benign (1 of 4 stars; one submission).

Submission:

CeGaT Center for Human Genetics Tuebingen
Classification: Likely benign. Last evaluated: 2022-04-01. Review status: criteria provided, single submitter. Criteria: CeGaT Center For Human Genetics Tuebingen Variant Classification Criteria Version 2. Collection method: clinical testing. Allele origin: germline. Affected: yes. Observed: 1 variant allele.
Comment: ZFHX4: PM2:Supporting, BP4, BP7

NM_024721.5(ZFHX4):c.8238T>C (p.Asn2746=)

Gene: ZFHX4 (zinc finger homeobox 4; plus strand). Cytogenetic location: 8q21.13.
Variant type: single nucleotide variant.
Coding change: c.8238T>C on transcript NM_024721.5 (MANE Select); coding-DNA position 8238, T replaced by C.
Protein change: p.Asn2746=; no amino-acid change (asparagine 2746 retained).
Molecular consequence: synonymous variant.
Genome position (GRCh38, 1-based): chr8:76,855,159, T>C. VCF-style: chr8-76855159-T-C. GRCh37 (hg19) VCF-style: chr8-77767395-T-C.
Other names: c.8160T>C, p.Asn2720= (NM_001410934.1).
Identifiers: ClinVar variation 2658668 (VCV002658668.24), dbSNP rs2536401649, ClinGen allele CA461769376.
Genomic context (GRCh38, chr8:76,855,159, plus strand): 5'-ATACATCTATTTTGATTACCCATCTTTGCCATTAACTAAAATTGATCTATCAAGTGAGAA[T>C]GAATTGGCTTCTACAGTGTCAACACCTGTTAGTAAAACAGCAGAGCTGTCACCGAAGAAT-3'
Protein context (NP_078997.4, residues 2736-2756): PLTKIDLSSE[Asn2746=]ELASTVSTPV